The following is an entry in ClinVar:

NM_030665.4(RAI1):c.5101dup (p.Asp1701fs)

Gene: RAI1 (retinoic acid induced 1; plus strand). Cytogenetic location: 17p11.2.
Variant type: Duplication.
Coding change: c.5101dup on transcript NM_030665.4 (MANE Select); coding-DNA position 5101, one base duplicated (G; older notation c.5101dupG).
Protein change: p.Asp1701fs; shifts the reading frame from aspartic acid 1701.
Molecular consequence: frameshift variant.
Genome position (GRCh38, 1-based): chr17:17,798,049, G duplicated; the last of 4 consecutive G bases (chr17:17,798,046-17,798,049); duplicating any one gives the same sequence. VCF-style (leftmost placement, unchanged base first): chr17-17798045-T-TG. GRCh37 (hg19) VCF-style: chr17-17701359-T-TG.
Other names: short protein forms D1701fs.
Identifiers: ClinVar variation 3786621 (VCV003786621.1).

ClinVar aggregate classification (germline): Pathogenic (1 of 4 stars; one submission).

Conditions:
Inborn genetic diseases. Identifiers: MedGen C0950123, MeSH D030342.

Submission:

Ambry Genetics
Classification: Pathogenic for Inborn genetic diseases. Last evaluated: 2025-03-14. Review status: criteria provided, single submitter. Criteria: Ambry Variant Classification Scheme 2023. Collection method: clinical testing. Allele origin: germline.
Comment: The c.5101dupG (p.D1701Gfs*9) alteration, located in exon 3 (coding exon 1) of the RAI1 gene, consists of a duplication of G at position 5101, causing a translational frameshift with a predicted alternate stop codon after 9 amino acids. This alteration is expected to result in loss of function by premature protein truncation or nonsense-mediated mRNA decay. This variant was not reported in population-based cohorts in the Genome Aggregation Database (gnomAD). Based on the available evidence, this alteration is classified as pathogenic.